The following is an entry in ClinVar:

NM_003590.5(CUL3):c.401del (p.Asn134fs)

Gene: CUL3 (cullin 3; minus strand). Cytogenetic location: 2q36.2.
Variant type: Deletion.
Coding change: c.401del on transcript NM_003590.5 (MANE Select); coding-DNA position 401, one base deleted (A; older notation c.401delA).
Protein change: p.Asn134fs; shifts the reading frame from asparagine 134.
Molecular consequence: frameshift variant.
Genome position (GRCh38, 1-based): chr2:224,514,750, T deleted on the plus strand (A on the coding strand, the reverse complement: CUL3 is on the minus strand); the first of 4 consecutive T bases (chr2:224,514,750-224,514,753); deleting any one gives the same sequence. VCF-style (leftmost placement, unchanged base first): chr2-224514749-AT-A. GRCh37 (hg19) VCF-style: chr2-225379466-AT-A.
Other names: c.203del, p.Asn68fs (NM_001257197.2); c.419del, p.Asn140fs (NM_001257198.2); short protein forms N134fs, N140fs, N68fs.
Identifiers: ClinVar variation 3347717 (VCV003347717.1).

ClinVar aggregate classification (germline): Likely pathogenic (0 of 4 stars; one submission).

Conditions:
CUL3-related disorder. Also called: CUL3-related condition; CUL3-related disorders.

Submission:

PreventionGenetics, part of Exact Sciences
Classification: Likely pathogenic for CUL3-related condition. Last evaluated: 2024-05-09. Review status: no assertion criteria provided. Collection method: clinical testing. Allele origin: germline.
Comment: The CUL3 c.401delA variant is predicted to result in a frameshift and premature protein termination (p.Asn134Ilefs*11). To our knowledge, this variant has not been reported in the literature or in a large population database, indicating this variant is rare. Frameshift variants in CUL3 are expected to be pathogenic. This variant is interpreted as likely pathogenic.